The following is an entry in ClinVar:

NM_006270.5(RRAS):c.472_473insTT (p.Ser158fs)

Gene: RRAS (RAS related; minus strand). Cytogenetic location: 19q13.33.
Variant type: Insertion.
Coding change: c.472_473insTT on transcript NM_006270.5 (MANE Select); coding-DNA positions 472 to 473, TT inserted.
Protein change: p.Ser158fs; shifts the reading frame from serine 158.
Molecular consequence: frameshift variant.
Genome position: GRCh38 VCF-style: chr19-49635833-G-GAA. GRCh37 (hg19) VCF-style: chr19-50139090-G-GAA.
Other names: short protein forms S158fs.
Identifiers: ClinVar variation 582390 (VCV000582390.14), dbSNP rs760978291, ClinGen allele CA9578985.

ClinVar aggregate classification (germline): Conflicting classifications of pathogenicity. Review status: criteria provided, conflicting classifications (1 of 4 stars). 6 submissions from 6 submitters: Uncertain significance (4); Benign (1); Likely benign (1). Last evaluated 2026-03-24.

Conditions:
RRAS-related disorder. Also called: RRAS-related condition.
Noonan syndrome (NS). Also called: Noonan's syndrome. Identifiers: Orphanet 648, MedGen C0028326, MeSH D009634, MONDO:0018997. Disease mechanism: gain of function.

Submissions (6):

PreventionGenetics, part of Exact Sciences
Classification: Uncertain significance for RRAS-related condition. Last evaluated: 2026-03-24. Review status: criteria provided, single submitter. Criteria: ACMG Guidelines, 2015. Collection method: clinical testing. Allele origin: germline.
Comment: The RRAS c.472_473insTT variant is predicted to result in a frameshift and premature protein termination (p.Ser158Phefs*77). This variant has been reported as a variant of uncertain significance in a cohort of individuals referred for genetic testing of cardiomyopathy and/or arrhythmia; however, detailed clinical information was not available (Supplement 2, Dellefave-Castillo et al. 2022. PubMed ID: 35947370). This variant is reported in 0.047% of alleles in individuals of European (Non-Finnish) descent in gnomAD. Although we suspect that this variant may be benign, at this time, the clinical significance of this variant is uncertain due to the absence of conclusive functional and genetic evidence.

Labcorp Genetics (formerly Invitae), Labcorp
Classification: Uncertain significance for Noonan syndrome. Last evaluated: 2025-12-16. Review status: criteria provided, single submitter. Criteria: Invitae Variant Classification Sherloc (09022015). Collection method: clinical testing. Allele origin: germline.
Comment: This sequence change creates a premature translational stop signal (p.Ser158Phefs*77) in the RRAS gene. While this is not anticipated to result in nonsense mediated decay, it is expected to disrupt the last 61 amino acid(s) of the RRAS protein. This variant is present in population databases (rs760978291, gnomAD 0.05%), and has an allele count higher than expected for a pathogenic variant. This premature translational stop signal has been observed in individual(s) with Noonan (internal data). ClinVar contains an entry for this variant (Variation ID: 582390). In summary, the available evidence is currently insufficient to determine the role of this variant in disease. Therefore, it has been classified as a Variant of Uncertain Significance.

Laboratory of Genetics, Children's Clinical University Hospital Latvia
Classification: Likely benign. Last evaluated: 2025-02-16. Review status: criteria provided, single submitter. Criteria: ACMG Guidelines, 2015. Collection method: clinical testing. Allele origin: germline. Affected: yes.

St. Jude Molecular Pathology, St. Jude Children's Research Hospital
Classification: Uncertain significance for Noonan syndrome. Last evaluated: 2024-12-10. Review status: criteria provided, single submitter. Criteria: St. Jude Assertion Criteria 2020. Collection method: clinical testing. Allele origin: germline.
Comment: The RRAS c.472_473insTT (p.Ser158PhefsTer77) change inserts two nucleotides to cause a frameshift. This variant occurs at the 3' terminus of the RRAS gene and is expected to result in the elongation of the native protein by replacing the last 61 amino acids with 76 different amino acids. To our knowledge, this variant has not been reported in the literature in individuals with Noonan syndrome. In summary, the evidence currently available is insufficient to determine the clinical significance of this variant. It has therefore been classified as of uncertain significance.

Blueprint Genetics
Classification: Uncertain significance. Last evaluated: 2024-11-13. Review status: criteria provided, single submitter. Criteria: ACMG Guidelines, 2015. Collection method: clinical testing. Allele origin: germline.

Women's Health and Genetics/Laboratory Corporation of America, LabCorp
Classification: Benign. Last evaluated: 2020-11-09. Review status: criteria provided, single submitter. Criteria: LabCorp Variant Classification Summary - May 2015. Collection method: clinical testing. Allele origin: germline.
Comment: Variant summary: RRAS c.472_473insTT (p.Ser158PhefsX77) causes a frameshift which results in an extension of the protein. The variant allele was found at a frequency of 0.0002 in 241452 control chromosomes, predominantly at a frequency of 0.00042 within the Non-Finnish European subpopulation in the gnomAD database. The observed variant frequency within Non-Finnish European control individuals in the gnomAD database is approximately 168 fold of the estimated maximal expected allele frequency for a pathogenic variant in RRAS causing Noonan Syndrome And Related Conditions phenotype (2.5e-06), strongly suggesting that the variant is a benign polymorphism found primarily in populations of Non-Finnish European origin. To our knowledge, no occurrence of c.472_473insTT in individuals affected with Noonan Syndrome And Related Conditions and no experimental evidence demonstrating its impact on protein function have been reported. One ClinVar submitter (evaluation after 2014) cites the variant as uncertain significance. Based on the evidence outlined above, the variant was classified as benign.